The following is an entry in ClinVar:

NM_138694.4(PKHD1):c.5959G>T (p.Ala1987Ser)

Gene: PKHD1 (PKHD1 ciliary IPT domain containing fibrocystin/polyductin; minus strand). Cytogenetic location: 6p12.2.
Variant type: single nucleotide variant.
Coding change: c.5959G>T on transcript NM_138694.4 (MANE Select); coding-DNA position 5959, G replaced by T.
Protein change: p.Ala1987Ser; replaces alanine 1987 with serine.
Molecular consequence: missense variant.
Genome position (GRCh38, 1-based): chr6:51,934,272, C>A on the plus strand (G>T on the coding strand, the complement: PKHD1 is on the minus strand). VCF-style: chr6-51934272-C-A. GRCh37 (hg19) VCF-style: chr6-51799070-C-A.
Other names: c.5959G>T, p.Ala1987Ser (NM_170724.3); c.5959G>T (NM_138694.3); short protein forms A1987S.
Identifiers: ClinVar variation 1475298 (VCV001475298.6), dbSNP rs375949362, ClinGen allele CA364417904.

ClinVar aggregate classification (germline): Conflicting classifications of pathogenicity. Review status: criteria provided, conflicting classifications (1 of 4 stars). 2 submissions from 2 submitters: Uncertain significance (1); Likely benign (1). Last evaluated 2024-11-11.

Conditions:
Inborn genetic diseases. Identifiers: MedGen C0950123, MeSH D030342.
Autosomal recessive polycystic kidney disease (ARPKD). Also called: AR polycystic kidney disease. Identifiers: Orphanet 731, Orphanet 8378, MedGen C0085548, MeSH D017044, MONDO:0009889.

gnomAD v4.1: 5 of 1,613,404 alleles (0.00031%); highest among the groups gnomAD compares: African/African-American, 0.0053%; no homozygotes.

Submissions (2):

Ambry Genetics
Classification: Likely benign for Inborn genetic diseases. Last evaluated: 2024-11-11. Review status: criteria provided, single submitter. Criteria: Ambry Variant Classification Scheme 2023. Collection method: clinical testing. Allele origin: germline.

Labcorp Genetics (formerly Invitae), Labcorp
Classification: Uncertain significance for Autosomal recessive polycystic kidney disease. Last evaluated: 2022-06-27. Review status: criteria provided, single submitter. Criteria: Invitae Variant Classification Sherloc (09022015). Collection method: clinical testing. Allele origin: germline.
Comment: In summary, the available evidence is currently insufficient to determine the role of this variant in disease. Therefore, it has been classified as a Variant of Uncertain Significance. Advanced modeling of protein sequence and biophysical properties (such as structural, functional, and spatial information, amino acid conservation, physicochemical variation, residue mobility, and thermodynamic stability) performed at Invitae indicates that this missense variant is not expected to disrupt PKHD1 protein function. This variant has not been reported in the literature in individuals affected with PKHD1-related conditions. This variant is not present in population databases (gnomAD no frequency). This sequence change replaces alanine, which is neutral and non-polar, with serine, which is neutral and polar, at codon 1987 of the PKHD1 protein (p.Ala1987Ser).